The following is an entry in ClinVar:

ClinVar aggregate classification (germline): Uncertain significance. Review status: criteria provided, multiple submitters, no conflicts (2 of 4 stars). 2 submissions from 2 submitters: Uncertain significance (2). Last evaluated 2023-12-18.

Conditions:
Inborn genetic diseases. Identifiers: MedGen C0950123, MeSH D030342.
Developmental and epileptic encephalopathy, 12 (DEE12). Identifiers: MedGen C3150988, MONDO:0013389, OMIM 613722.

Allele frequency attached by ClinVar (database versions not stated): TOPMed below 0.00001; gnomAD exomes 0.00001; ExAC 0.00003.
gnomAD v4.1: 8 of 1,590,734 alleles (0.0005%); highest among the groups gnomAD compares: Admixed American, 0.0018%; no homozygotes.

Submissions (2):

Ambry Genetics
Classification: Uncertain significance for Inborn genetic diseases. Last evaluated: 2023-12-18. Review status: criteria provided, single submitter. Criteria: Ambry Variant Classification Scheme 2023. Collection method: clinical testing. Allele origin: germline.

Labcorp Genetics (formerly Invitae), Labcorp
Classification: Uncertain significance for Developmental and epileptic encephalopathy, 12. Last evaluated: 2022-04-13. Review status: criteria provided, single submitter. Criteria: Invitae Variant Classification Sherloc (09022015). Collection method: clinical testing. Allele origin: germline.
Comment: This sequence change replaces leucine, which is neutral and non-polar, with phenylalanine, which is neutral and non-polar, at codon 315 of the PNKP protein (p.Leu315Phe). The frequency data for this variant in the population databases is considered unreliable, as metrics indicate poor data quality at this position in the gnomAD database. This variant has not been reported in the literature in individuals affected with PNKP-related conditions. Algorithms developed to predict the effect of missense changes on protein structure and function are either unavailable or do not agree on the potential impact of this missense change (SIFT: "Tolerated"; PolyPhen-2: "Probably Damaging"; Align-GVGD: "Class C0"). In summary, the available evidence is currently insufficient to determine the role of this variant in disease. Therefore, it has been classified as a Variant of Uncertain Significance.

NM_007254.4(PNKP):c.943C>T (p.Leu315Phe)

Gene: PNKP (polynucleotide kinase 3'-phosphatase; minus strand). Cytogenetic location: 19q13.33.
Variant type: single nucleotide variant.
Coding change: c.943C>T on transcript NM_007254.4 (MANE Select); coding-DNA position 943, C replaced by T.
Protein change: p.Leu315Phe; replaces leucine 315 with phenylalanine.
Molecular consequence: missense variant.
Genome position (GRCh38, 1-based): chr19:49,862,457, G>A on the plus strand (C>T on the coding strand, the complement: PNKP is on the minus strand). VCF-style: chr19-49862457-G-A. GRCh37 (hg19) VCF-style: chr19-50365714-G-A.
Other names: c.943C>T (NM_007254.3); short protein forms L315F.
Identifiers: ClinVar variation 2043754 (VCV002043754.2), dbSNP rs762271079, ClinGen allele CA9586675.